The following is an entry in ClinVar:

ClinVar aggregate classification (germline): Uncertain significance. Review status: criteria provided, multiple submitters, no conflicts (2 of 4 stars). 2 submissions from 2 submitters: Uncertain significance (2). Last evaluated 2022-05-14.

Conditions:
Charcot-Marie-Tooth disease type 2. Also called: Charcot-Marie-Tooth type 2. Identifiers: Orphanet 64746, MedGen C0270914, MONDO:0018993.

Allele frequency attached by ClinVar (database versions not stated): TOPMed below 0.00001; gnomAD exomes below 0.00001; gnomAD 0.00001.
gnomAD v4.1: 2 of 1,613,914 alleles (0.00012%); highest among the groups gnomAD compares: Admixed American, 0.0033%; no homozygotes.

Submissions (2):

Ambry Genetics
Classification: Uncertain significance. Last evaluated: 2022-05-14. Review status: criteria provided, single submitter. Criteria: Ambry Variant Classification Scheme 2023. Collection method: clinical testing. Allele origin: germline.
Comment: The p.K600N variant (also known as c.1800G>T), located in coding exon 18 of the KIF1B gene, results from a G to T substitution at nucleotide position 1800. The lysine at codon 600 is replaced by asparagine, an amino acid with similar properties. This amino acid position is conserved. In addition, this alteration is predicted to be tolerated by in silico analysis. Since supporting evidence is limited at this time, the clinical significance of this alteration remains unclear.

Labcorp Genetics (formerly Invitae), Labcorp
Classification: Uncertain significance for Charcot-Marie-Tooth disease type 2. Last evaluated: 2021-11-14. Review status: criteria provided, single submitter. Criteria: Invitae Variant Classification Sherloc (09022015). Collection method: clinical testing. Allele origin: germline.
Comment: In summary, the available evidence is currently insufficient to determine the role of this variant in disease. Therefore, it has been classified as a Variant of Uncertain Significance. Algorithms developed to predict the effect of missense changes on protein structure and function are either unavailable or do not agree on the potential impact of this missense change (SIFT: "Tolerated"; PolyPhen-2: "Probably Damaging"; Align-GVGD: "Class C0"). This variant has not been reported in the literature in individuals affected with KIF1B-related conditions. This variant is present in population databases (no rsID available, gnomAD no frequency). This sequence change replaces lysine, which is basic and polar, with asparagine, which is neutral and polar, at codon 600 of the KIF1B protein (p.Lys600Asn).

NM_001365951.3(KIF1B):c.1938G>T (p.Lys646Asn)

Gene: KIF1B (kinesin family member 1B; plus strand). Cytogenetic location: 1p36.22.
Variant type: single nucleotide variant.
Coding change: c.1938G>T on transcript NM_001365951.3 (MANE Select); coding-DNA position 1938, G replaced by T.
Protein change: p.Lys646Asn; replaces lysine 646 with asparagine.
Molecular consequence: missense variant.
Genome position (GRCh38, 1-based): chr1:10,296,973, G>T. VCF-style: chr1-10296973-G-T. GRCh37 (hg19) VCF-style: chr1-10357031-G-T.
Other names: c.1938G>T, p.Lys646Asn (NM_001365952.1); c.1800G>T, p.Lys600Asn (NM_001365953.1, NM_015074.3, NM_183416.4); short protein forms K646N, K600N.
Identifiers: ClinVar variation 1474161 (VCV001474161.8), dbSNP rs1458739115, ClinGen allele CA338316832.